The following is an entry in ClinVar:

ClinVar aggregate classification (germline): Uncertain significance (1 of 4 stars; one submission).

Conditions:
Cardiovascular phenotype. Identifiers: MedGen CN230736.

Submission:

Ambry Genetics
Classification: Uncertain significance for Cardiovascular phenotype. Last evaluated: 2023-03-17. Review status: criteria provided, single submitter. Criteria: Ambry Variant Classification Scheme 2023. Collection method: clinical testing. Allele origin: germline.
Comment: The p.E907* variant (also known as c.2719G>T), located in coding exon 11 of the RBM20 gene, results from a G to T substitution at nucleotide position 2719. This changes the amino acid from a glutamic acid to a stop codon within coding exon 11. This alteration is expected to result in protein truncation or nonsense-mediated mRNA decay. However, loss of function of RBM20 has not been established as a mechanism of disease. Since supporting evidence is limited at this time, the clinical significance of this alteration remains unclear.

NM_001134363.3(RBM20):c.2719G>T (p.Glu907Ter)

Gene: RBM20 (RNA binding motif protein 20; plus strand). Cytogenetic location: 10q25.2.
Variant type: single nucleotide variant.
Coding change: c.2719G>T on transcript NM_001134363.3 (MANE Select); coding-DNA position 2719, G replaced by T.
Protein change: p.Glu907Ter; replaces glutamic acid 907 with a stop codon.
Molecular consequence: nonsense.
Genome position (GRCh38, 1-based): chr10:110,821,338, G>T. VCF-style: chr10-110821338-G-T. GRCh37 (hg19) VCF-style: chr10-112581096-G-T.
Other names: short protein forms E907*.
Identifiers: ClinVar variation 2449401 (VCV002449401.3), dbSNP rs1564664325, ClinGen allele CA378377279.
Genomic context (GRCh38, chr10:110,821,338, plus strand): 5'-CAAGATTGGGAGAGTGAAAGTGAGGCAGAGGGGGAGAGCTGGTATCCCACTAACATGGAG[G>T]AGCTGGTGACAGTGGACGAGGTTGGGGAAGAAGAAGATTTTATCGTGGAACCAGACATCC-3'